The following is an entry in ClinVar:

ClinVar aggregate classification (germline): Uncertain significance (1 of 4 stars; one submission).

Submission:

Labcorp Genetics (formerly Invitae), Labcorp
Classification: Uncertain significance. Last evaluated: 2023-10-13. Review status: criteria provided, single submitter. Criteria: Invitae Variant Classification Sherloc (09022015). Collection method: clinical testing. Allele origin: germline.
Comment: This sequence change replaces arginine, which is basic and polar, with leucine, which is neutral and non-polar, at codon 226 of the ELP1 protein (p.Arg226Leu). This variant is not present in population databases (gnomAD no frequency). This variant has not been reported in the literature in individuals affected with ELP1-related conditions. ClinVar contains an entry for this variant (Variation ID: 1523419). Advanced modeling of protein sequence and biophysical properties (such as structural, functional, and spatial information, amino acid conservation, physicochemical variation, residue mobility, and thermodynamic stability) performed at Invitae indicates that this missense variant is expected to disrupt ELP1 protein function. Algorithms developed to predict the effect of sequence changes on RNA splicing suggest that this variant may disrupt the consensus splice site. In summary, the available evidence is currently insufficient to determine the role of this variant in disease. Therefore, it has been classified as a Variant of Uncertain Significance.

NM_003640.5(ELP1):c.677G>T (p.Arg226Leu)

Gene: ELP1 (elongator acetyltransferase complex subunit 1; minus strand). Cytogenetic location: 9q31.3.
Variant type: single nucleotide variant.
Coding change: c.677G>T on transcript NM_003640.5 (MANE Select); coding-DNA position 677, G replaced by T.
Protein change: p.Arg226Leu; replaces arginine 226 with leucine.
Molecular consequence: missense variant. On other transcripts: intron variant (1).
Genome position (GRCh38, 1-based): chr9:108,918,874, C>A on the plus strand (G>T on the coding strand, the complement: ELP1 is on the minus strand). VCF-style: chr9-108918874-C-A. GRCh37 (hg19) VCF-style: chr9-111681154-C-A.
Other names: c.335G>T, p.Arg112Leu (NM_001318360.2); c.-307-1204G>T (NM_001330749.2); short protein forms R226L, R112L.
Identifiers: ClinVar variation 1523419 (VCV001523419.6), dbSNP rs758239907, ClinGen allele CA374386982.
Genomic context (GRCh38, chr9:108,918,874, plus strand): 5'-CAAGCCAGGGCTGGTCCCAGTCCTGCCACAGGCTCACTGGTTGACTGCAAAGCAAACTCT[C>A]GGTTCCACACTCTGACCTTCCGAGCCCCTGTGCGGGAGTGGAGTCAAACACACATACACA-3'
Protein context (NP_003631.2, residues 216-236): TGARKVRVWN[Arg226Leu]EFALQSTSEP